The following is an entry in ClinVar:

NM_024757.5(EHMT1):c.953G>A (p.Ser318Asn)

Gene: EHMT1 (euchromatic histone lysine methyltransferase 1; plus strand). Cytogenetic location: 9q34.3.
Variant type: single nucleotide variant.
Coding change: c.953G>A on transcript NM_024757.5 (MANE Select); coding-DNA position 953, G replaced by A.
Protein change: p.Ser318Asn; replaces serine 318 with asparagine.
Molecular consequence: missense variant.
Genome position (GRCh38, 1-based): chr9:137,743,500, G>A. VCF-style: chr9-137743500-G-A. GRCh37 (hg19) VCF-style: chr9-140637952-G-A.
Other names: c.953G>A, p.Ser318Asn (NM_001145527.2, NM_001354611.2); c.860G>A, p.Ser287Asn (NM_001354259.2, NM_001354612.2); c.932G>A, p.Ser311Asn (NM_001354263.2); short protein forms S287N, S311N, S318N.
Identifiers: ClinVar variation 1767313 (VCV001767313.2), dbSNP rs1948283797, ClinGen allele CA375778250.

ClinVar aggregate classification (germline): Uncertain significance (1 of 4 stars; one submission).

Conditions:
Inborn genetic diseases. Identifiers: MedGen C0950123, MeSH D030342.

Submission:

Ambry Genetics
Classification: Uncertain significance for Inborn genetic diseases. Last evaluated: 2017-10-31. Review status: criteria provided, single submitter. Criteria: Ambry Variant Classification Scheme 2023. Collection method: clinical testing. Allele origin: germline.
Comment: The p.S318N variant (also known as c.953G>A), located in coding exon 5 of the EHMT1 gene, results from a G to A substitution at nucleotide position 953. The serine at codon 318 is replaced by asparagine, an amino acid with highly similar properties. This amino acid position is well conserved in available vertebrate species; however, asparagine is the reference amino acid in other vertebrate species. In addition, this alteration is predicted to be tolerated by in silico analysis. Since supporting evidence is limited at this time, the clinical significance of this alteration remains unclear.